The following is an entry in ClinVar:

NM_001029883.3(PCARE):c.1309A>T (p.Ser437Cys)

Gene: PCARE (photoreceptor cilium actin regulator; minus strand). Cytogenetic location: 2p23.2.
Variant type: single nucleotide variant.
Coding change: c.1309A>T on transcript NM_001029883.3 (MANE Select); coding-DNA position 1309, A replaced by T.
Protein change: p.Ser437Cys; replaces serine 437 with cysteine.
Molecular consequence: missense variant.
Genome position (GRCh38, 1-based): chr2:29,072,953, T>A on the plus strand (A>T on the coding strand, the complement: PCARE is on the minus strand). VCF-style: chr2-29072953-T-A. GRCh37 (hg19) VCF-style: chr2-29295819-T-A.
Other names: short protein forms S437C.
Identifiers: ClinVar variation 2123887 (VCV002123887.5), dbSNP rs1667519372, ClinGen allele CA346480458.
Genomic context (GRCh38, chr2:29,072,953, plus strand): 5'-CACATGGGGTGCTTGTCCCCAGCTTCAAAGGTGGGGAGGTGATATTTTCTGGGCTTGTAC[T>A]GGAGAGGCATGGGCTCCTTGCTTCGTCCTGTGCTCGTGGCTGAACCTTTGCCATAGGAGC-3'
Protein context (NP_001025054.1, residues 427-447): QDEARSPCLS[Ser437Cys]TSPENITSPP

ClinVar aggregate classification (germline): Uncertain significance. Review status: criteria provided, multiple submitters, no conflicts (2 of 4 stars). 2 submissions from 2 submitters: Uncertain significance (2). Last evaluated 2022-04-09.

Submissions (2):

Labcorp Genetics (formerly Invitae), Labcorp
Classification: Uncertain significance. Last evaluated: 2022-04-09. Review status: criteria provided, single submitter. Criteria: Invitae Variant Classification Sherloc (09022015). Collection method: clinical testing. Allele origin: germline.
Comment: This sequence change replaces serine, which is neutral and polar, with cysteine, which is neutral and slightly polar, at codon 437 of the PCARE protein (p.Ser437Cys). This variant is not present in population databases (gnomAD no frequency). This variant has not been reported in the literature in individuals affected with PCARE-related conditions. Algorithms developed to predict the effect of missense changes on protein structure and function are either unavailable or do not agree on the potential impact of this missense change (SIFT: "Tolerated"; PolyPhen-2: "Benign"; Align-GVGD: "Class C25"). In summary, the available evidence is currently insufficient to determine the role of this variant in disease. Therefore, it has been classified as a Variant of Uncertain Significance.

Blueprint Genetics
Classification: Uncertain significance. Last evaluated: 2021-05-19. Review status: criteria provided, single submitter. Criteria: ACMG Guidelines, 2015. Collection method: clinical testing. Allele origin: germline.